The following is an entry in ClinVar:

NM_173598.6(KSR2):c.986+7G>A

Gene: KSR2 (kinase suppressor of ras 2; minus strand). Cytogenetic location: 12q24.23.
Variant type: single nucleotide variant.
Coding change: c.986+7G>A on transcript NM_173598.6 (MANE Select); 7 bases into the intron after coding-DNA position 986, G replaced by A.
Molecular consequence: intron variant.
Genome position (GRCh38, 1-based): chr12:117,761,004, C>T on the plus strand (G>A on the coding strand, the complement: KSR2 is on the minus strand). VCF-style: chr12-117761004-C-T. GRCh37 (hg19) VCF-style: chr12-118198809-C-T.
Identifiers: ClinVar variation 3356216 (VCV003356216.1).
Genomic context (GRCh38, chr12:117,761,004, plus strand): 5'-GGACCAAGGGGCAGCCCCTCGCAGGCCGGGTTTCGACCGCCCCAGGGCACCCACCGATCG[C>T]ACTCACTTGGGCGTGTGGGCCTCGTCCACGCGGTGCCCCAGCTGGAACTCGTGGGATTTG-3'

ClinVar aggregate classification (germline): Likely benign (0 of 4 stars; one submission).

Conditions:
KSR2-related disorder. Also called: KSR2-related condition.

Submission:

PreventionGenetics, part of Exact Sciences
Classification: Likely benign for KSR2-related condition. Last evaluated: 2023-06-01. Review status: no assertion criteria provided. Collection method: clinical testing. Allele origin: germline.
Comment: This variant is classified as likely benign based on ACMG/AMP sequence variant interpretation guidelines (Richards et al. 2015 PMID: 25741868, with internal and published modifications).